The following is an entry in ClinVar:

NM_001267550.2(TTN):c.52218G>A (p.Leu17406=)

Genes: TTN (titin; minus strand), TTN-AS1 (TTN antisense RNA 1; plus strand). Cytogenetic location: 2q31.2.
Variant type: single nucleotide variant.
Coding change: c.52218G>A on transcript NM_001267550.2 (MANE Select); coding-DNA position 52218, G replaced by A.
Protein change: p.Leu17406=; no amino-acid change (leucine 17406 retained).
Molecular consequence: synonymous variant.
Genome position (GRCh38, 1-based): chr2:178,608,793, C>T on the plus strand (G>A on the coding strand, the complement: TTN is on the minus strand). VCF-style: chr2-178608793-C-T. GRCh37 (hg19) VCF-style: chr2-179473520-C-T.
Other names: c.47295G>A, p.Leu15765= (NM_001256850.1); c.25023G>A, p.Leu8341= (NM_003319.4); c.44514G>A, p.Leu14838= (NM_133378.4); c.25398G>A, p.Leu8466= (NM_133432.3); c.25599G>A, p.Leu8533= (NM_133437.4).
Identifiers: ClinVar variation 3463788 (VCV003463788.3).
Genomic context (GRCh38, chr2:178,608,793, plus strand): 5'-TCTAAGTGTTGAAGTGACAACAATCCATTCTGAGTCGGGTTTTGTCTTGTCTTTCTTTTC[C>T]AAAGTGTAGTTTATGATTTCACTGCCACCATCATCAAGGGGTGGTTCCCATTTACAAAGG-3'
Protein context (NP_001254479.2, residues 17396-17416): DGGSEIINYT[Leu17406=]EKKDKTKPDS

ClinVar aggregate classification (germline): Likely benign. Review status: criteria provided, multiple submitters, no conflicts (2 of 4 stars). 2 submissions from 2 submitters: Likely benign (2). Last evaluated 2026-04-01.

Conditions:
Cardiovascular phenotype. Identifiers: MedGen CN230736.

gnomAD v4.1: 1 of 1,612,428 alleles (0.000062%); highest among the groups gnomAD compares: Non-Finnish European, 0.000085%; no homozygotes.

Submissions (2):

CeGaT Center for Human Genetics Tuebingen
Classification: Likely benign. Last evaluated: 2026-04-01. Review status: criteria provided, single submitter. Criteria: CeGaT Center For Human Genetics Tuebingen Variant Classification Criteria Version 2. Collection method: clinical testing. Allele origin: germline. Affected: yes. Observed: 1 variant allele.
Comment: TTN: BP4, BP7

Ambry Genetics
Classification: Likely benign for Cardiovascular phenotype. Last evaluated: 2024-09-20. Review status: criteria provided, single submitter. Criteria: Ambry Variant Classification Scheme 2023. Collection method: clinical testing. Allele origin: germline.